The following is an entry in ClinVar:

NM_001754.5(RUNX1):c.378T>G (p.Asp126Glu)

Genes: RUNX1-AS1 (RUNX1 antisense RNA 1; plus strand), RUNX1 (RUNX family transcription factor 1; minus strand). Cytogenetic location: 21q22.12.
Variant type: single nucleotide variant.
Coding change: c.378T>G on transcript NM_001754.5 (MANE Select); coding-DNA position 378, T replaced by G.
Protein change: p.Asp126Glu; replaces aspartic acid 126 with glutamic acid.
Molecular consequence: missense variant.
Genome position (GRCh38, 1-based): chr21:34,880,687, A>C on the plus strand (T>G on the coding strand, the complement: RUNX1 is on the minus strand). VCF-style: chr21-34880687-A-C. GRCh37 (hg19) VCF-style: chr21-36252984-A-C.
Other names: NM_001754.5(RUNX1):c.378T>G; p.Asp126Glu; c.297T>G, p.Asp99Glu (NM_001001890.3, NM_001122607.2); short protein forms D126E, D99E.
Identifiers: ClinVar variation 1021717 (VCV001021717.11), dbSNP rs2057889337, ClinGen allele CA410202739.

ClinVar aggregate classification (germline): Uncertain significance. Review status: reviewed by expert panel (3 of 4 stars). 2 submissions from 2 submitters: Uncertain significance (1). 1 of the submissions does not count toward it. Last evaluated 2025-05-02.

Conditions:
Hereditary thrombocytopenia and hematologic cancer predisposition syndrome. Identifiers: Orphanet 71290, MedGen CN281654, MONDO:0011071.
Hereditary thrombocytopenia and hematological cancer predisposition syndrome associated with RUNX1. Also called: Familial thrombocytopenia with propensity to acute myelogenous leukemia; PLATELET DISORDER, ASPIRIN-LIKE; RUNX1 Familial Platelet Disorder with Associated Myeloid Malignancies; Familial Platelet Disorder with Propensity to Acute Myelogenous Leukemia. Identifiers: Orphanet 71290, MedGen C1832388, MeSH C563324, MONDO:0100083, OMIM 601399.

Submissions (2):

ClinGen Myeloid Malignancy Variant Curation Expert Panel
Classification: Uncertain significance for Hereditary thrombocytopenia and hematologic cancer predisposition syndrome. Last evaluated: 2025-05-02. Review status: reviewed by expert panel. Criteria: ClinGen MyeloMalig ACMG Specifications v2. Collection method: curation. Allele origin: germline. Inheritance: Autosomal dominant inheritance.
Comment: NM_001754.5(RUNX1):c.378T>G (p.Asp126Glu) is a missense variant which is located within the Runt Homology Domain (AA 89-204), but does not occur in an established hotspot residue (PM1_Supporting). This variant is completely absent from all population databases with at least 20x coverage for RUNX1 (PM2_Supporting). The computational predictor REVEL gives a score of 0.884, which is above the threshold of 0.88, supporting a deleterious effect (PP3). In summary, the clinical significance of this variant is uncertain. ACMG/AMP criteria applied, as specified by the Myeloid Malignancy Variant Curation Expert Panel for RUNX1: PM1_Supporting, PM2_Supporting, PP3.

Labcorp Genetics (formerly Invitae), Labcorp
Classification: Uncertain significance for Hereditary thrombocytopenia and hematological cancer predisposition syndrome associated with RUNX1. Last evaluated: 2024-04-15. Review status: criteria provided, single submitter. Criteria: Invitae Variant Classification Sherloc (09022015). Collection method: clinical testing. Allele origin: germline. Not counted in ClinVar's aggregate classification.
Comment: This sequence change replaces aspartic acid, which is acidic and polar, with glutamic acid, which is acidic and polar, at codon 126 of the RUNX1 protein (p.Asp126Glu). This variant is not present in population databases (gnomAD no frequency). This variant has not been reported in the literature in individuals affected with RUNX1-related conditions. ClinVar contains an entry for this variant (Variation ID: 1021717). Advanced modeling of protein sequence and biophysical properties (such as structural, functional, and spatial information, amino acid conservation, physicochemical variation, residue mobility, and thermodynamic stability) performed at Invitae indicates that this missense variant is expected to disrupt RUNX1 protein function with a positive predictive value of 80%. In summary, the available evidence is currently insufficient to determine the role of this variant in disease. Therefore, it has been classified as a Variant of Uncertain Significance.